The following is an entry in ClinVar:

NM_001061.7(TBXAS1):c.473C>A (p.Ala158Asp)

Gene: TBXAS1 (thromboxane A synthase 1; plus strand). Cytogenetic location: 7q34.
Variant type: single nucleotide variant.
Coding change: c.473C>A on transcript NM_001061.7 (MANE Select); coding-DNA position 473, C replaced by A.
Protein change: p.Ala158Asp; replaces alanine 158 with aspartic acid.
Molecular consequence: missense variant.
Genome position (GRCh38, 1-based): chr7:139,953,390, C>A. VCF-style: chr7-139953390-C-A. GRCh37 (hg19) VCF-style: chr7-139653189-C-A.
Other names: c.473C>A, p.Ala158Asp (NM_001130966.5, NM_030984.6); c.611C>A, p.Ala204Asp (NM_001166253.4); c.272C>A, p.Ala91Asp (NM_001166254.4); c.416C>A, p.Ala139Asp (NM_001314028.4); c.290C>A, p.Ala97Asp (NM_001366537.3); c.476C>A (NM_001061.4); short protein forms A139D, A158D, A159D, A204D, A205D, A91D, A97D.
Identifiers: ClinVar variation 2417307 (VCV002417307.5), dbSNP rs543782716, ClinGen allele CA4511676.

ClinVar aggregate classification (germline): Uncertain significance. Review status: criteria provided, multiple submitters, no conflicts (2 of 4 stars). 3 submissions from 3 submitters: Uncertain significance (3). Last evaluated 2025-10-01.

Conditions:
Inborn genetic diseases. Identifiers: MedGen C0950123, MeSH D030342.
Ghosal hematodiaphyseal dysplasia. Also called: Ghosal hematodiaphyseal syndrome. Identifiers: Orphanet 1802, MedGen C1856465, MONDO:0009274, OMIM 231095.

Allele frequency attached by ClinVar (database versions not stated): gnomAD exomes 0.00002; ExAC 0.00004; gnomAD 0.00004; 1000 Genomes Project 30x 0.00078; 1000 Genomes Project 0.00100.
gnomAD v4.1: 40 of 1,614,184 alleles (0.0025%); highest among the groups gnomAD compares: South Asian, 0.044%; no homozygotes.

Submissions (3):

Ambry Genetics
Classification: Uncertain significance for Inborn genetic diseases. Last evaluated: 2025-10-01. Review status: criteria provided, single submitter. Criteria: Ambry Variant Classification Scheme 2023. Collection method: clinical testing. Allele origin: germline.

Neuberg Centre For Genomic Medicine, NCGM
Classification: Uncertain significance for Ghosal hematodiaphyseal dysplasia. Last evaluated: 2023-06-22. Review status: criteria provided, single submitter. Criteria: ACMG Guidelines, 2015. Collection method: clinical testing. Allele origin: germline. Inheritance: Autosomal recessive inheritance. Affected: yes.
Comment: The missense c.473C>A (p.Ala158Asp) variant in the TBXAS1 gene has not been reported previously as a pathogenic variant nor as a benign variant, to our knowledge. This variant is reported with the allele frequency (0.002%) in the gnomAD Exomes. This variant has been reported to the ClinVar database as Uncertain Significance. However, no details are available for independent assessment. The amino acid Alanine at position 158 is changed to a Aspartic acid changing protein sequence and it might alter its composition and physico-chemical properties. Multiple lines of computational evidence (Polyphen - Damaging, SIFT – Damaging and MutationTaster - Disease causing) predict a damaging effect on protein structure and function for this variant. The amino acid Alanine in TBXAS1 is predicted as conserved by GERP++ and PhyloP across 100 vertebrates. For these reasons, this variant has been classified as Uncertain Significance.

Labcorp Genetics (formerly Invitae), Labcorp
Classification: Uncertain significance. Last evaluated: 2022-01-11. Review status: criteria provided, single submitter. Criteria: Invitae Variant Classification Sherloc (09022015). Collection method: clinical testing. Allele origin: germline.
Comment: This sequence change replaces alanine, which is neutral and non-polar, with aspartic acid, which is acidic and polar, at codon 159 of the TBXAS1 protein (p.Ala159Asp). This variant is present in population databases (rs543782716, gnomAD 0.02%). This variant has not been reported in the literature in individuals affected with TBXAS1-related conditions. Algorithms developed to predict the effect of missense changes on protein structure and function are either unavailable or do not agree on the potential impact of this missense change (SIFT: "Deleterious"; PolyPhen-2: "Probably Damaging"; Align-GVGD: "Class C0"). In summary, the available evidence is currently insufficient to determine the role of this variant in disease. Therefore, it has been classified as a Variant of Uncertain Significance.